The following is an entry in ClinVar:

ClinVar aggregate classification (germline): Uncertain significance (1 of 4 stars; one submission).

Allele frequency attached by ClinVar (database versions not stated): ExAC 0.00001; gnomAD 0.00001; gnomAD exomes 0.00001; TOPMed 0.00001.
gnomAD v4.1: 15 of 1,612,332 alleles (0.00093%); highest among the groups gnomAD compares: East Asian, 0.0022%; no homozygotes.

Submission:

Greenwood Genetic Center Diagnostic Laboratories, Greenwood Genetic Center
Classification: Uncertain significance. Last evaluated: 2023-08-08. Review status: criteria provided, single submitter. Criteria: ACMG Guidelines, 2015. Collection method: clinical testing. Allele origin: germline. Affected: yes.
Comment: PM2

NM_004044.7(ATIC):c.260A>G (p.Asp87Gly)

Gene: ATIC (5-aminoimidazole-4-carboxamide ribonucleotide formyltransferase/IMP cyclohydrolase; plus strand). Cytogenetic location: 2q35.
Variant type: single nucleotide variant.
Coding change: c.260A>G on transcript NM_004044.7 (MANE Select); coding-DNA position 260, A replaced by G.
Protein change: p.Asp87Gly; replaces aspartic acid 87 with glycine.
Molecular consequence: missense variant.
Genome position (GRCh38, 1-based): chr2:215,319,701, A>G. VCF-style: chr2-215319701-A-G. GRCh37 (hg19) VCF-style: chr2-216184424-A-G.
Other names: short protein forms D87G.
Identifiers: ClinVar variation 2626876 (VCV002626876.1), dbSNP rs780532278, ClinGen allele CA2092859.